The following is an entry in ClinVar:

NM_001376.5(DYNC1H1):c.9264G>A (p.Arg3088=)

Genes: DYNC1H1 (dynein cytoplasmic 1 heavy chain 1; plus strand), LOC126862060 (BRD4-independent group 4 enhancer GRCh37_chr14:102493659-102494858; plus strand). Cytogenetic location: 14q32.31.
Variant type: single nucleotide variant.
Coding change: c.9264G>A on transcript NM_001376.5 (MANE Select); coding-DNA position 9264, G replaced by A.
Protein change: p.Arg3088=; no amino-acid change (arginine 3088 retained).
Molecular consequence: synonymous variant.
Genome position (GRCh38, 1-based): chr14:102,027,937, G>A. VCF-style: chr14-102027937-G-A. GRCh37 (hg19) VCF-style: chr14-102494274-G-A.
Identifiers: ClinVar variation 947769 (VCV000947769.10), dbSNP rs2048468944, ClinGen allele CA487965983.

ClinVar aggregate classification (germline): Uncertain significance (1 of 4 stars; one submission).

Conditions:
Charcot-Marie-Tooth disease axonal type 2O. Also called: CHARCOT-MARIE-TOOTH NEUROPATHY, AXONAL, TYPE 2O; CHARCOT-MARIE-TOOTH DISEASE, AXONAL, AUTOSOMAL DOMINANT, TYPE 2O; Charcot-Marie-Tooth disease, axonal, type 20; Charcot-Marie-Tooth Neuropathy Type 2O. Identifiers: Orphanet 284232, MedGen C3280220, MONDO:0013644, OMIM 614228.

Submission:

Labcorp Genetics (formerly Invitae), Labcorp
Classification: Uncertain significance for Charcot-Marie-Tooth disease axonal type 2O. Last evaluated: 2024-02-26. Review status: criteria provided, single submitter. Criteria: Invitae Variant Classification Sherloc (09022015). Collection method: clinical testing. Allele origin: germline.
Comment: This sequence change affects codon 3088 of the DYNC1H1 mRNA. It is a 'silent' change, meaning that it does not change the encoded amino acid sequence of the DYNC1H1 protein. It affects a nucleotide within the consensus splice site. This variant is not present in population databases (gnomAD no frequency). This variant has not been reported in the literature in individuals affected with DYNC1H1-related conditions. ClinVar contains an entry for this variant (Variation ID: 947769). Algorithms developed to predict the effect of sequence changes on RNA splicing suggest that this variant is not likely to affect RNA splicing. In summary, the available evidence is currently insufficient to determine the role of this variant in disease. Therefore, it has been classified as a Variant of Uncertain Significance.